The following is an entry in ClinVar:

NM_003059.3(SLC22A4):c.1603A>G (p.Arg535Gly)

Genes: MIR3936HG (MIR3936 host gene; minus strand), SLC22A4 (solute carrier family 22 member 4; plus strand). Cytogenetic location: 5q31.1.
Variant type: single nucleotide variant.
Coding change: c.1603A>G on transcript NM_003059.3 (MANE Select); coding-DNA position 1603, A replaced by G.
Protein change: p.Arg535Gly; replaces arginine 535 with glycine.
Molecular consequence: missense variant.
Genome position (GRCh38, 1-based): chr5:132,343,782, A>G. VCF-style: chr5-132343782-A-G. GRCh37 (hg19) VCF-style: chr5-131679475-A-G.
Other names: short protein forms R535G.
Identifiers: ClinVar variation 3696787 (VCV003696787.2).

ClinVar aggregate classification (germline): Uncertain significance (1 of 4 stars; one submission).

gnomAD v4.1: 2 of 1,608,192 alleles (0.00012%); highest among the groups gnomAD compares: Admixed American, 0.0017%; no homozygotes.

Submission:

Labcorp Genetics (formerly Invitae), Labcorp
Classification: Uncertain significance. Last evaluated: 2024-09-15. Review status: criteria provided, single submitter. Criteria: Invitae Variant Classification Sherloc (09022015). Collection method: clinical testing. Allele origin: germline.
Comment: This sequence change replaces arginine, which is basic and polar, with glycine, which is neutral and non-polar, at codon 535 of the SLC22A4 protein (p.Arg535Gly). This variant is not present in population databases (gnomAD no frequency). This variant has not been reported in the literature in individuals affected with SLC22A4-related conditions. An algorithm developed to predict the effect of missense changes on protein structure and function (PolyPhen-2) suggests that this variant is likely to be tolerated. In summary, the available evidence is currently insufficient to determine the role of this variant in disease. Therefore, it has been classified as a Variant of Uncertain Significance.